The following is an entry in ClinVar:

ClinVar aggregate classification (germline): Pathogenic (1 of 4 stars; one submission).

Conditions:
Familial thoracic aortic aneurysm and aortic dissection (TAAD). Also called: Thoracic aortic aneurysms and dissections. Identifiers: Orphanet 91387, MedGen C4707243, MONDO:0019625.
Marfan syndrome (MFS). Also called: Marfan syndrome type 1; Marfan's syndrome; Marfan syndrome, classic; MARFAN SYNDROME, TYPE I; FBN1-Related Marfan Syndrome. Identifiers: Orphanet 284963, Orphanet 558, MedGen C0024796, MONDO:0007947, OMIM 154700.

Submission:

Labcorp Genetics (formerly Invitae), Labcorp
Classification: Pathogenic for Marfan syndrome; Familial thoracic aortic aneurysm and aortic dissection. Last evaluated: 2020-01-28. Review status: criteria provided, single submitter. Criteria: Invitae Variant Classification Sherloc (09022015). Collection method: clinical testing. Allele origin: germline.
Comment: For these reasons, this variant has been classified as Pathogenic. Loss-of-function variants in FBN1 are known to be pathogenic (PMID: 17657824, 19293843). This variant has not been reported in the literature in individuals with FBN1-related conditions. This variant is not present in population databases (ExAC no frequency). This sequence change creates a premature translational stop signal (p.Ile505Profs*25) in the FBN1 gene. It is expected to result in an absent or disrupted protein product.

Literature cited by the submitters: PubMed 17657824; PubMed 19293843.

NM_000138.5(FBN1):c.1513_1520del (p.Ile505fs)

Gene: FBN1 (fibrillin 1; minus strand). Cytogenetic location: 15q21.1.
Variant type: Deletion.
Coding change: c.1513_1520del on transcript NM_000138.5 (MANE Select); coding-DNA positions 1513 to 1520, 8 bases deleted (ATTAACAA; older notation c.1513_1520delATTAACAA).
Protein change: p.Ile505fs; shifts the reading frame from isoleucine 505.
Molecular consequence: frameshift variant.
Genome position (GRCh38, 1-based): chr15:48,513,617-48,513,624, TTGTTAAT deleted on the plus strand (ATTAACAA on the coding strand, the reverse complement: FBN1 is on the minus strand). VCF-style (leftmost placement, unchanged base first): chr15-48513616-GTTGTTAAT-G. GRCh37 (hg19) VCF-style: chr15-48805813-GTTGTTAAT-G.
Other names: short protein forms I505fs.
Identifiers: ClinVar variation 1074857 (VCV001074857.7), dbSNP rs2141327809, ClinGen allele CA2499223014.